The following is an entry in ClinVar:

NM_000552.5(VWF):c.4693G>T (p.Val1565Leu)

Gene: VWF (von Willebrand factor; minus strand). Cytogenetic location: 12p13.31.
Variant type: single nucleotide variant.
Coding change: c.4693G>T on transcript NM_000552.5 (MANE Select); coding-DNA position 4693, G replaced by T.
Protein change: p.Val1565Leu; replaces valine 1565 with leucine.
Molecular consequence: missense variant.
Genome position (GRCh38, 1-based): chr12:6,018,725, C>A on the plus strand (G>T on the coding strand, the complement: VWF is on the minus strand). VCF-style: chr12-6018725-C-A. GRCh37 (hg19) VCF-style: chr12-6127891-C-A.
Other names: NM_000552.5(VWF):c.4693G>T; c.4693G>T (NM_000552.4); short protein forms V1565L.
Identifiers: ClinVar variation 256682 (VCV000256682.20), dbSNP rs1800385, ClinGen allele CA6402474.

ClinVar aggregate classification (germline): Benign. Review status: reviewed by expert panel (3 of 4 stars). 10 submissions from 8 submitters: Benign (1). 9 of the submissions do not count toward it. Last evaluated 2024-08-13.

Conditions:
von Willebrand disease type 2 (VWD2). Also called: VWD, TYPE 2; VON WILLEBRAND DISEASE, TYPE 2A/IIE; VON WILLEBRAND DISEASE, TYPE 2CB; VON WILLEBRAND DISEASE, TYPE II. Identifiers: Orphanet 166081, Orphanet 903, MedGen C1264040, MONDO:0013304, OMIM 613554.
von Willebrand disease type 1 (VWD1). Also called: VWD, TYPE 1; VON WILLEBRAND DISEASE, TYPE I. Identifiers: Orphanet 166078, Orphanet 903, MedGen C1264039, MONDO:0008668, OMIM 193400. Inheritance: autosomal recessive or autosomal dominant.
Hereditary von Willebrand disease. Identifiers: Orphanet 903, MedGen C5703318, MONDO:0019565. Inheritance: Autosomal recessive or Autosomal dominant.
von Willebrand disease type 3 (VWD3). Also called: Type 3 Von Willebrand's disease; Type 3 VWD; Von Willebrand disease, severe form; V WD3; VON WILLEBRAND DISEASE, TYPE III. Identifiers: Orphanet 166096, MedGen C1264041, MONDO:0010191, OMIM 277480.

Allele frequency attached by ClinVar (database versions not stated): gnomAD 0.08527 and 0.09473; gnomAD exomes 0.15365 and 0.10667; 1000 Genomes Project 0.17572; ExAC 0.14343; 1000 Genomes Project 30x 0.16755; ESP Exome Variant Server 0.06105; TOPMed 0.10769.
gnomAD v4.1: 170,554 of 1,613,044 alleles (11%); highest among the groups gnomAD compares: East Asian, 39%; 14,229 homozygotes.

Submissions (10):

ClinGen von Willebrand Disease Variant Curation Expert Panel, ClinGen
Classification: Benign for Hereditary von Willebrand disease. Last evaluated: 2024-08-13. Review status: reviewed by expert panel. Criteria: ClinGen VWD 2A B M Rules. Collection method: curation. Allele origin: germline.
Comment: The NM_000552.4(VWF):c.4693G>T (p.Val1565Leu) missense variant has a Grpmax filtering allele frequency in gnomAD v4.1 is 0.3882 (based on 17604/44790 alleles in the east Asian population, including 3463 homozygotes), which is higher than the ClinGen VWD VCEP threshold of >0.1 for BA1. The computational predictor REVEL gives a score of 0.183, which is below the ClinGen VWD VCEP threshold of <0.290 and does not predict a damaging effect on VWF function (BP4). Additionally, the computational splicing predictor SpliceAI indicated that the variant has no impact on splicing. In summary, this variant meets the criteria to be classified as benign for von Willebrand disease based on the ACMG/AMP criteria applied, as specified by the ClinGen VWD VCEP: BA1, BP4.

Women's Health and Genetics/Laboratory Corporation of America, LabCorp
Classification: Likely benign. Last evaluated: 2026-05-12. Review status: criteria provided, single submitter. Criteria: LabCorp Variant Classification Summary - May 2015. Collection method: clinical testing. Allele origin: germline. Not counted in ClinVar's aggregate classification.

Mayo Clinic Laboratories, Mayo Clinic
Classification: Benign. Last evaluated: 2025-07-29. Review status: criteria provided, single submitter. Criteria: ACMG Guidelines, 2015. Collection method: clinical testing. Allele origin: germline. Observed: 170 variant alleles. Not counted in ClinVar's aggregate classification.
Comment: BA1, BP4

ARUP Laboratories, Molecular Genetics and Genomics, ARUP Laboratories
Classification: Benign. Last evaluated: 2025-07-24. Review status: criteria provided, single submitter. Criteria: ARUP Molecular Germline Variant Investigation Process 2024. Collection method: clinical testing. Allele origin: germline. Not counted in ClinVar's aggregate classification.

Quest Diagnostics Nichols Institute San Juan Capistrano
Classification: Benign. Last evaluated: 2023-02-17. Review status: criteria provided, single submitter. Criteria: Quest Diagnostics criteria. Collection method: clinical testing. Allele origin: unknown. Not counted in ClinVar's aggregate classification.

Genome-Nilou Lab
Classification: Benign for von Willebrand disease type 1. Last evaluated: 2021-12-05. Review status: criteria provided, single submitter. Criteria: ACMG Guidelines, 2015. Collection method: clinical testing. Allele origin: germline. Affected: no. Not counted in ClinVar's aggregate classification.

Genome-Nilou Lab
Classification: Benign for von Willebrand disease type 3. Last evaluated: 2021-12-05. Review status: criteria provided, single submitter. Criteria: ACMG Guidelines, 2015. Collection method: clinical testing. Allele origin: germline. Affected: no. Not counted in ClinVar's aggregate classification.

Genome-Nilou Lab
Classification: Benign for von Willebrand disease type 2. Last evaluated: 2021-12-05. Review status: criteria provided, single submitter. Criteria: ACMG Guidelines, 2015. Collection method: clinical testing. Allele origin: germline. Affected: no. Not counted in ClinVar's aggregate classification.

Breakthrough Genomics
Classification: Likely benign. Review status: criteria provided, single submitter. Criteria: ACMG Guidelines, 2015. Collection method: not provided. Allele origin: germline. Inheritance: Autosomal recessive inheritance. Affected: yes. Not counted in ClinVar's aggregate classification.

PreventionGenetics, part of Exact Sciences
Classification: Benign. Review status: criteria provided, single submitter. Criteria: ACMG Guidelines, 2015. Collection method: clinical testing. Allele origin: germline. Not counted in ClinVar's aggregate classification.